The following continues an entry in ClinVar:

NM_000059.4(BRCA2):c.7976G>A (p.Arg2659Lys)

Gene: BRCA2. ClinVar aggregate classification (germline): Pathogenic. Pathogenic (22).

Submissions 26 to 31 of 31:

Research Molecular Genetics Laboratory, Women's College Hospital, University of Toronto
Classification: Pathogenic for Hereditary breast ovarian cancer syndrome. Last evaluated: 2015-12-17. Review status: no assertion criteria provided. Collection method: research. Allele origin: germline. Affected: yes. Study: The Canadian Open Genetics Repository (COGR). Not counted in ClinVar's aggregate classification.

Sharing Clinical Reports Project (SCRP)
Classification: Pathogenic for Breast-ovarian cancer, familial 2. Last evaluated: 2012-09-21. Review status: no assertion criteria provided. Collection method: clinical testing. Allele origin: germline. Not counted in ClinVar's aggregate classification.

Department of Pathology and Laboratory Medicine, Sinai Health System
Classification: Pathogenic for Malignant tumor of breast. Review status: no assertion criteria provided. Collection method: clinical testing. Allele origin: unknown. Affected: yes. Study: The Canadian Open Genetics Repository (COGR). Not counted in ClinVar's aggregate classification.
Comment: The BRCA2 p.Arg2659Lys variant was identified in 4 of 6566 proband chromosomes (frequency: 0.0006) from individuals or families with pancreatic, prostate, breast or ovarian cancer (Johns 2017, Konstantopoulou 2014, Pritzlaff 2016, Tung 2015). The variant was also identified in dbSNP (ID: rs80359027 as "With Pathogenic allele"), ClinVar (classified as pathogenic by Invitae, Ambry Genetics, GeneDx and eleven other submitters), and LOVD 3.0 (28x as pathogenic). The variant was not identified in UMD-LSDB. The variant was identified in control databases in 1 of 245888 chromosomes at a frequency of 0.000004 (Genome Aggregation Database Feb 27, 2017). The variant was observed in the European population in 1 of 111412 chromosomes (freq: 0.000009), but not in the African, Other, Latino, Ashkenazi Jewish, East Asian, Finnish, or South Asian populations. RT-PCR analysis of the variant showed an in-frame deletion of 171 bp, resulting in a deletion of 57 amino acids (Hofman 2003, Farrugia 2008). In addition, one study showed that this variant abolished the interaction between the oligosaccharide binding folds of BRCA2 and PAR (Poly ADP-ribose; Zhang 2015). The p.Arg2659 residue is conserved across mammals and other organisms, and four out of five computational analyses (PolyPhen-2, SIFT, AlignGVGD, BLOSUM, MutationTaster) suggest that the variant may impact the protein; however, this information is not predictive enough to assume pathogenicity. The p.Arg2659Lys variant occurs in the last three bases of the exon. This position has been shown to be part of the splicing consensus sequence and variants involving this position sometimes affect splicing. In addition, 2 of 4 in silico or computational prediction software programs (SpliceSiteFinder, MaxEntScan, NNSPLICE, GeneSplicer) predict a greater than 10% difference in splicing. In summary, based on the above information, this variant meets our laboratoryâ€šÃ„Ã´s criteria to be classified as pathogenic.

Diagnostic Laboratory, Department of Genetics, University Medical Center Groningen
Classification: Pathogenic for Breast-ovarian cancer, familial, susceptibility to, 2. Review status: no assertion criteria provided. Collection method: clinical testing. Allele origin: germline. Affected: yes. Study: VKGL Data-share Consensus. Not counted in ClinVar's aggregate classification.

Joint Genome Diagnostic Labs from Nijmegen and Maastricht, Radboudumc and MUMC+
Classification: Pathogenic. Review status: no assertion criteria provided. Collection method: clinical testing. Allele origin: germline. Affected: yes. Study: VKGL Data-share Consensus. Not counted in ClinVar's aggregate classification.

Breast Cancer Information Core (BIC) (BRCA2)
Classification: Uncertain significance for Breast-ovarian cancer, familial 2. Last evaluated: 2002-05-29. Review status: flagged submission. Collection method: clinical testing. Allele origin: germline. Affected: yes. Observed: 18 variant alleles. Not counted in ClinVar's aggregate classification.
ClinVar note: Reason: Older and outlier claim with insufficient supporting evidence

Literature cited by the submitters: PubMed 12624152 (cited by 6 submitters); PubMed 24010542 (cited by 5 submitters); PubMed 25186627 (cited by 5 submitters); PubMed 26681312 (cited by 5 submitters); PubMed 17924331 (cited by 3 submitters); PubMed 15695382 (cited by 7 submitters); PubMed 17576681 (cited by Labcorp Genetics (formerly Invitae), Labcorp); PubMed 9536098 (cited by Labcorp Genetics (formerly Invitae), Labcorp); PubMed 28339459 (cited by 4 submitters); PubMed 16489001 (cited by Labcorp Genetics (formerly Invitae), Labcorp); PubMed 19043619 (cited by Labcorp Genetics (formerly Invitae), Labcorp); PubMed 39779857 (cited by Ambry Genetics); PubMed 18451181 (cited by 6 submitters); PubMed 21990134 (cited by Quest Diagnostics Nichols Institute San Juan Capistrano and Women's Health and Genetics/Laboratory Corporation of America, LabCorp); PubMed 28008555 (cited by 3 submitters); PubMed 23231788 (cited by Quest Diagnostics Nichols Institute San Juan Capistrano and Women's Health and Genetics/Laboratory Corporation of America, LabCorp); PubMed 34680387 (cited by Quest Diagnostics Nichols Institute San Juan Capistrano and Color Diagnostics, LLC DBA Color Health); PubMed 33471991 (cited by Quest Diagnostics Nichols Institute San Juan Capistrano and Color Diagnostics, LLC DBA Color Health); PubMed 32885271 (cited by Quest Diagnostics Nichols Institute San Juan Capistrano and Sema4); PubMed 26295337 (cited by Quest Diagnostics Nichols Institute San Juan Capistrano); PubMed 27060066 (cited by Women's Health and Genetics/Laboratory Corporation of America, LabCorp); PubMed 34296289 (cited by Color Diagnostics, LLC DBA Color Health); PubMed 34445631 (cited by Color Diagnostics, LLC DBA Color Health); PubMed 31843900 (cited by Sema4 and King Laboratory, University of Washington).